The following is an entry in ClinVar:

ClinVar aggregate classification (germline): Likely benign. Review status: criteria provided, multiple submitters, no conflicts (2 of 4 stars). 5 submissions from 5 submitters: Likely benign (5). Last evaluated 2026-01-15.

Conditions:
Inborn genetic diseases. Identifiers: MedGen C0950123, MeSH D030342.
Charcot-Marie-Tooth disease axonal type 2O. Also called: CHARCOT-MARIE-TOOTH NEUROPATHY, AXONAL, TYPE 2O; CHARCOT-MARIE-TOOTH DISEASE, AXONAL, AUTOSOMAL DOMINANT, TYPE 2O; Charcot-Marie-Tooth disease, axonal, type 20; Charcot-Marie-Tooth Neuropathy Type 2O. Identifiers: Orphanet 284232, MedGen C3280220, MONDO:0013644, OMIM 614228.

Allele frequency attached by ClinVar (database versions not stated): TOPMed 0.00001; ExAC 0.00004; gnomAD exomes 0.00004 and 0.00005; gnomAD 0.00006; ESP Exome Variant Server 0.00008.
gnomAD v4.1: 62 of 1,614,082 alleles (0.0038%); highest among the groups gnomAD compares: South Asian, 0.013%; no homozygotes.

Submissions (5):

Labcorp Genetics (formerly Invitae), Labcorp
Classification: Likely benign for Charcot-Marie-Tooth disease axonal type 2O. Last evaluated: 2026-01-15. Review status: criteria provided, single submitter. Criteria: Invitae Variant Classification Sherloc (09022015). Collection method: clinical testing. Allele origin: germline.

CeGaT Center for Human Genetics Tuebingen
Classification: Likely benign. Last evaluated: 2025-11-01. Review status: criteria provided, single submitter. Criteria: CeGaT Center For Human Genetics Tuebingen Variant Classification Criteria Version 2. Collection method: clinical testing. Allele origin: germline. Affected: yes. Observed: 2 variant alleles.
Comment: DYNC1H1: PP2, BP4, BS2

Ambry Genetics
Classification: Likely benign for Inborn genetic diseases. Last evaluated: 2025-05-23. Review status: criteria provided, single submitter. Criteria: Ambry Variant Classification Scheme 2023. Collection method: clinical testing. Allele origin: germline.

Women's Health and Genetics/Laboratory Corporation of America, LabCorp
Classification: Likely benign. Last evaluated: 2024-11-12. Review status: criteria provided, single submitter. Criteria: LabCorp Variant Classification Summary - May 2015. Collection method: clinical testing. Allele origin: germline.
Comment: Variant summary: DYNC1H1 c.634A>G (p.Met212Val) results in a conservative amino acid change located in the Dynein heavy chain, N-terminal region 1 (IPR013594) of the encoded protein sequence. Five of five in-silico tools predict a benign effect of the variant on protein function. The variant was detected at a frequency of 3.8e-05 in 1614082 control chromosomes (gnomAD v4). The observed variant frequency within South Asian control individuals in the gnomAD database is approximately 130 fold of the estimated maximal expected allele frequency for a pathogenic variant in DYNC1H1 causing Charcot-Marie-Tooth disease axonal type 2O phenotype (1e-06), suggesting the variant is benign. To our knowledge, no occurrence of c.634A>G in individuals affected with Charcot-Marie-Tooth disease axonal type 2O and no experimental evidence demonstrating its impact on protein function have been reported. ClinVar contains an entry for this variant (Variation ID: 510610). Based on the evidence outlined above, the variant was classified as likely benign.

GeneDx
Classification: Likely benign. Last evaluated: 2019-07-24. Review status: criteria provided, single submitter. Criteria: GeneDx Variant Classification Process June 2021. Collection method: clinical testing. Allele origin: germline. Affected: yes.

NM_001376.5(DYNC1H1):c.634A>G (p.Met212Val)

Gene: DYNC1H1 (dynein cytoplasmic 1 heavy chain 1; plus strand). Cytogenetic location: 14q32.31.
Variant type: single nucleotide variant.
Coding change: c.634A>G on transcript NM_001376.5 (MANE Select); coding-DNA position 634, A replaced by G.
Protein change: p.Met212Val; replaces methionine 212 with valine.
Molecular consequence: missense variant.
Genome position (GRCh38, 1-based): chr14:101,979,834, A>G. VCF-style: chr14-101979834-A-G. GRCh37 (hg19) VCF-style: chr14-102446171-A-G.
Other names: short protein forms M212V.
Identifiers: ClinVar variation 510610 (VCV000510610.20), dbSNP rs138182529, ClinGen allele CA7351559.